The following is an entry in ClinVar:

ClinVar aggregate classification (germline): Uncertain significance. Review status: criteria provided, multiple submitters, no conflicts (2 of 4 stars). 2 submissions from 2 submitters: Uncertain significance (2). Last evaluated 2025-12-30.

Conditions:
Ehlers-Danlos syndrome, classic type, 1 (EDSCL1). Also called: EHLERS-DANLOS SYNDROME, GRAVIS TYPE; EHLERS-DANLOS SYNDROME, SEVERE CLASSIC TYPE; Ehlers-Danlos syndrome, type 1; Ehlers-Danlos Syndrome, Classic Type, COL5A1-Related; EDS I. Identifiers: MedGen C0268335, MONDO:0019567, OMIM 130000.

Allele frequency attached by ClinVar (database versions not stated): ExAC 0.00002.

Submissions (2):

Women's Health and Genetics/Laboratory Corporation of America, LabCorp
Classification: Uncertain significance. Last evaluated: 2025-12-30. Review status: criteria provided, single submitter. Criteria: LabCorp Variant Classification Summary - May 2015. Collection method: clinical testing. Allele origin: germline.
Comment: Variant summary: COL5A1 c.3742A>G (p.Met1248Val) results in a conservative amino acid change in the encoded protein sequence. Algorithms developed to predict the effect of missense changes on protein structure and function are either unavailable or do not agree on the potential impact of this missense change. Several computational tools predict a significant impact on normal splicing: Three predict the variant has no significant impact on splicing, two predict the variant weakens a canonical 5' donor site, and two predict the variant creates a cryptic 5' donor site. However, these predictions have yet to be confirmed by functional studies. The variant allele was found at a frequency of 8e-06 in 251342 control chromosomes. The available data on variant occurrences in the general population are insufficient to allow any conclusion about variant significance. To our knowledge, no occurrence of c.3742A>G in individuals affected with COL5A1-related conditions and no experimental evidence demonstrating its impact on protein function have been reported. ClinVar contains an entry for this variant (Variation ID: 1504993). Based on the evidence outlined above, the variant was classified as uncertain significance.

Labcorp Genetics (formerly Invitae), Labcorp
Classification: Uncertain significance for Ehlers-Danlos syndrome, classic type, 1. Last evaluated: 2021-07-13. Review status: criteria provided, single submitter. Criteria: Invitae Variant Classification Sherloc (09022015). Collection method: clinical testing. Allele origin: germline.
Comment: This sequence change replaces methionine with valine at codon 1248 of the COL5A1 protein (p.Met1248Val). The methionine residue is highly conserved and there is a small physicochemical difference between methionine and valine. This variant is present in population databases (rs767843442, ExAC 0.003%). This variant has not been reported in the literature in individuals affected with COL5A1-related conditions. Algorithms developed to predict the effect of missense changes on protein structure and function are either unavailable or do not agree on the potential impact of this missense change (SIFT: "Deleterious"; PolyPhen-2: "Not Available"; Align-GVGD: "Class C0"). Algorithms developed to predict the effect of sequence changes on RNA splicing suggest that this variant may create or strengthen a splice site. In summary, the available evidence is currently insufficient to determine the role of this variant in disease. Therefore, it has been classified as a Variant of Uncertain Significance.

NM_000093.5(COL5A1):c.3742A>G (p.Met1248Val)

Gene: COL5A1 (collagen type V alpha 1 chain; plus strand). Cytogenetic location: 9q34.3.
Variant type: single nucleotide variant.
Coding change: c.3742A>G on transcript NM_000093.5 (MANE Select); coding-DNA position 3742, A replaced by G.
Protein change: p.Met1248Val; replaces methionine 1248 with valine.
Molecular consequence: missense variant.
Genome position (GRCh38, 1-based): chr9:134,812,500, A>G. VCF-style: chr9-134812500-A-G. GRCh37 (hg19) VCF-style: chr9-137704346-A-G.
Other names: c.3742A>G, p.Met1248Val (NM_001278074.1); short protein forms M1248V.
Identifiers: ClinVar variation 1504993 (VCV001504993.9), dbSNP rs767843442, ClinGen allele CA5320000.